The following is an entry in ClinVar:

ClinVar aggregate classification (germline): Uncertain significance (1 of 4 stars; one submission).

Submission:

Labcorp Genetics (formerly Invitae), Labcorp
Classification: Uncertain significance. Last evaluated: 2023-06-21. Review status: criteria provided, single submitter. Criteria: Invitae Variant Classification Sherloc (09022015). Collection method: clinical testing. Allele origin: germline.
Comment: This variant has not been reported in the literature in individuals affected with COL2A1-related conditions. Advanced modeling of protein sequence and biophysical properties (such as structural, functional, and spatial information, amino acid conservation, physicochemical variation, residue mobility, and thermodynamic stability) performed at Invitae indicates that this missense variant is not expected to disrupt COL2A1 protein function. In summary, the available evidence is currently insufficient to determine the role of this variant in disease. Therefore, it has been classified as a Variant of Uncertain Significance. This variant is not present in population databases (gnomAD no frequency). This sequence change replaces valine, which is neutral and non-polar, with isoleucine, which is neutral and non-polar, at codon 685 of the COL2A1 protein (p.Val685Ile).

NM_001844.5(COL2A1):c.2053G>A (p.Val685Ile)

Gene: COL2A1 (collagen type II alpha 1 chain; minus strand). Cytogenetic location: 12q13.11.
Variant type: single nucleotide variant.
Coding change: c.2053G>A on transcript NM_001844.5 (MANE Select); coding-DNA position 2053, G replaced by A.
Protein change: p.Val685Ile; replaces valine 685 with isoleucine.
Molecular consequence: missense variant.
Genome position (GRCh38, 1-based): chr12:47,983,134, C>T on the plus strand (G>A on the coding strand, the complement: COL2A1 is on the minus strand). VCF-style: chr12-47983134-C-T. GRCh37 (hg19) VCF-style: chr12-48376917-C-T.
Other names: c.1846G>A, p.Val616Ile (NM_033150.3); short protein forms V685I, V616I.
Identifiers: ClinVar variation 2868225 (VCV002868225.3), dbSNP rs2540137135, ClinGen allele CA384547674.